The following is an entry in ClinVar:

ClinVar aggregate classification (germline): Pathogenic (0 of 4 stars; one submission).

Conditions:
Hermansky-Pudlak syndrome 6 (HPS6). Identifiers: Orphanet 231512, Orphanet 79430, MedGen C3888007, MONDO:0013558, OMIM 614075.

Submission:

GeneReviews
Classification: Pathogenic for Hermansky-Pudlak Syndrome. Last evaluated: 2012-10-11. Review status: no assertion criteria provided. Collection method: curation. Allele origin: unknown.
ClinVar note: Converted during submission from pathologic to Pathogenic.

nsv1067844

Variant type: Deletion.
Other names: "HPS6 del 19,972-bp"; HPS6 del 19,972-bp.
Identifiers: ClinVar variation 40972 (VCV000040972.3).